The following is an entry in ClinVar:

ClinVar aggregate classification (germline): Uncertain significance (1 of 4 stars; one submission).

Conditions:
Rubinstein-Taybi syndrome due to EP300 haploinsufficiency. Also called: RUBINSTEIN-TAYBI SYNDROME 2; EP300-Related Rubinstein-Taybi Syndrome. Identifiers: Orphanet 353284, Orphanet 783, MedGen C3150941, MONDO:0013364, OMIM 613684.

gnomAD v4.1: 3 of 1,614,108 alleles (0.00019%); highest among the groups gnomAD compares: Non-Finnish European, 0.00025%; no homozygotes.

Submission:

Labcorp Genetics (formerly Invitae), Labcorp
Classification: Uncertain significance for Rubinstein-Taybi syndrome due to EP300 haploinsufficiency. Last evaluated: 2024-10-28. Review status: criteria provided, single submitter. Criteria: Invitae Variant Classification Sherloc (09022015). Collection method: clinical testing. Allele origin: germline.
Comment: This sequence change replaces leucine, which is neutral and non-polar, with phenylalanine, which is neutral and non-polar, at codon 2249 of the EP300 protein (p.Leu2249Phe). This variant is not present in population databases (gnomAD no frequency). This variant has not been reported in the literature in individuals affected with EP300-related conditions. Invitae Evidence Modeling of protein sequence and biophysical properties (such as structural, functional, and spatial information, amino acid conservation, physicochemical variation, residue mobility, and thermodynamic stability) indicates that this missense variant is not expected to disrupt EP300 protein function with a negative predictive value of 95%. In summary, the available evidence is currently insufficient to determine the role of this variant in disease. Therefore, it has been classified as a Variant of Uncertain Significance.

NM_001429.4(EP300):c.6747G>C (p.Leu2249Phe)

Gene: EP300 (EP300 lysine acetyltransferase; plus strand). Cytogenetic location: 22q13.2.
Variant type: single nucleotide variant.
Coding change: c.6747G>C on transcript NM_001429.4 (MANE Select); coding-DNA position 6747, G replaced by C.
Protein change: p.Leu2249Phe; replaces leucine 2249 with phenylalanine.
Molecular consequence: missense variant.
Genome position (GRCh38, 1-based): chr22:41,178,458, G>C. VCF-style: chr22-41178458-G-C. GRCh37 (hg19) VCF-style: chr22-41574462-G-C.
Other names: c.6669G>C, p.Leu2223Phe (NM_001362843.2); short protein forms L2223F, L2249F.
Identifiers: ClinVar variation 2697119 (VCV002697119.3), dbSNP rs758459646, ClinGen allele CA411682654.